The following is an entry in ClinVar:

NM_000384.3(APOB):c.79G>A (p.Ala27Thr)

Genes: APOB (apolipoprotein B; minus strand), LOC106560211 (APOB 5' regulatory region; plus strand). Cytogenetic location: 2p24.1.
Variant type: single nucleotide variant.
Coding change: c.79G>A on transcript NM_000384.3 (MANE Select); coding-DNA position 79, G replaced by A.
Protein change: p.Ala27Thr; replaces alanine 27 with threonine.
Molecular consequence: missense variant.
Genome position (GRCh38, 1-based): chr2:21,043,867, C>T on the plus strand (G>A on the coding strand, the complement: APOB is on the minus strand). VCF-style: chr2-21043867-C-T. GRCh37 (hg19) VCF-style: chr2-21266739-C-T.
Other names: short protein forms A27T.
Identifiers: ClinVar variation 3415539 (VCV003415539.1).

ClinVar aggregate classification (germline): Uncertain significance (1 of 4 stars; one submission).

Conditions:
Cardiovascular phenotype. Identifiers: MedGen CN230736.

gnomAD v4.1: 1 of 1,499,078 alleles (0.000067%); highest among the groups gnomAD compares: Non-Finnish European, 0.000088%; no homozygotes.

Submission:

Ambry Genetics
Classification: Uncertain significance for Cardiovascular phenotype. Last evaluated: 2024-07-11. Review status: criteria provided, single submitter. Criteria: Ambry Variant Classification Scheme 2023. Collection method: clinical testing. Allele origin: germline.
Comment: The p.A27T variant (also known as c.79G>A), located in coding exon 1 of the APOB gene, results from a G to A substitution at nucleotide position 79. The alanine at codon 27 is replaced by threonine, an amino acid with similar properties. This amino acid position is conserved. In addition, this alteration is predicted to be tolerated by in silico analysis. Based on the available evidence, the clinical significance of this variant remains unclear.